The following is an entry in ClinVar:

NM_001369.3(DNAH5):c.4384G>T (p.Asp1462Tyr)

Genes: DNAH5-AS1 (DNAH5 antisense RNA 1; plus strand), DNAH5 (dynein axonemal heavy chain 5; minus strand). Cytogenetic location: 5p15.2.
Variant type: single nucleotide variant.
Coding change: c.4384G>T on transcript NM_001369.3 (MANE Select); coding-DNA position 4384, G replaced by T.
Protein change: p.Asp1462Tyr; replaces aspartic acid 1462 with tyrosine.
Molecular consequence: missense variant.
Genome position (GRCh38, 1-based): chr5:13,864,609, C>A on the plus strand (G>T on the coding strand, the complement: DNAH5 is on the minus strand). VCF-style: chr5-13864609-C-A. GRCh37 (hg19) VCF-style: chr5-13864718-C-A.
Other names: short protein forms D1462Y.
Identifiers: ClinVar variation 1385618 (VCV001385618.4), dbSNP rs1189846120, ClinGen allele CA359224403.

ClinVar aggregate classification (germline): Uncertain significance (1 of 4 stars; one submission).

Conditions:
Primary ciliary dyskinesia. Also called: Ciliary dyskinesia. Identifiers: Orphanet 244, MedGen C0008780, MONDO:0016575, HP:0012265.

Allele frequency attached by ClinVar (database versions not stated): gnomAD exomes below 0.00001; TOPMed 0.00002; gnomAD 0.00003.
gnomAD v4.1: 9 of 1,613,998 alleles (0.00056%); highest among the groups gnomAD compares: Non-Finnish European, 0.00068%; no homozygotes.

Submission:

Labcorp Genetics (formerly Invitae), Labcorp
Classification: Uncertain significance for Primary ciliary dyskinesia. Last evaluated: 2025-08-18. Review status: criteria provided, single submitter. Criteria: Invitae Variant Classification Sherloc (09022015). Collection method: clinical testing. Allele origin: germline.
Comment: This sequence change replaces aspartic acid, which is acidic and polar, with tyrosine, which is neutral and polar, at codon 1462 of the DNAH5 protein (p.Asp1462Tyr). This variant is present in population databases (no rsID available, gnomAD 0.002%). This variant has not been reported in the literature in individuals affected with DNAH5-related conditions. ClinVar contains an entry for this variant (Variation ID: 1385618). Invitae Evidence Modeling of protein sequence and biophysical properties (such as structural, functional, and spatial information, amino acid conservation, physicochemical variation, residue mobility, and thermodynamic stability) has been performed for this missense variant. However, the output from this modeling did not meet the statistical confidence thresholds required to predict the impact of this variant on DNAH5 protein function. In summary, the available evidence is currently insufficient to determine the role of this variant in disease. Therefore, it has been classified as a Variant of Uncertain Significance.